The following is an entry in ClinVar:

NM_000558.5(HBA1):c.181A>C (p.Lys61Gln)

Genes: HBA1 (hemoglobin subunit alpha 1; plus strand), LOC106804613 (hemoglobin subunit alpha 1 recombination region; plus strand). Cytogenetic location: 16p13.3.
Variant type: single nucleotide variant.
Coding change: c.181A>C on transcript NM_000558.5 (MANE Select); coding-DNA position 181, A replaced by C.
Protein change: p.Lys61Gln; replaces lysine 61 with glutamine.
Molecular consequence: missense variant.
Genome position (GRCh38, 1-based): chr16:177,014, A>C. VCF-style: chr16-177014-A-C. GRCh37 (hg19) VCF-style: chr16-227013-A-C.
Other names: short protein forms K61Q.
Identifiers: ClinVar variation 2681958 (VCV002681958.1), dbSNP rs34259907, ClinGen allele CA393995226.

ClinVar aggregate classification (germline): Uncertain significance (1 of 4 stars; one submission).

Submission:

Quest Diagnostics Nichols Institute San Juan Capistrano
Classification: Uncertain significance. Last evaluated: 2023-08-29. Review status: criteria provided, single submitter. Criteria: Quest Diagnostics criteria. Collection method: clinical testing. Allele origin: unknown.
Comment: The HBA1 c.181A>C (p.Lys61Gln) variant, to the best of our knowledge, has not been reported in the published literature. It also has not been reported in large, multi-ethnic general populations (Genome Aggregation Database). Analysis of this variant using bioinformatics tools for the prediction of the effect of amino acid changes on protein structure and function yielded conflicting predictions that this variant is deleterious or benign. Based on the available information, we are unable to determine the clinical significance of this variant.